The following is an entry in ClinVar:

NM_018491.5(ZNG1A):c.885+6T>C

Gene: ZNG1A (Zn regulated GTPase metalloprotein activator 1A; minus strand). Cytogenetic location: 9p24.3.
Variant type: single nucleotide variant.
Coding change: c.885+6T>C on transcript NM_018491.5 (MANE Select); 6 bases into the intron after coding-DNA position 885, T replaced by C.
Molecular consequence: intron variant.
Genome position (GRCh38, 1-based): chr9:123,380, A>G on the plus strand (T>C on the coding strand, the complement: ZNG1A is on the minus strand). VCF-style: chr9-123380-A-G. GRCh37 (hg19) VCF-style: chr9-123380-A-G.
Other names: c.516+6T>C (NM_001399798.1); c.636+6T>C (NM_001399800.1); c.825+6T>C (NM_001399807.1); c.360+6T>C (NM_001399804.1); c.798+6T>C (NM_001399808.1); c.828+6T>C (NM_001145356.2, NM_001399805.1); c.885+6T>C (NM_001399809.1); c.441+6T>C (NM_001399801.1); and 4 more.
Identifiers: ClinVar variation 2673164 (VCV002673164.23), dbSNP rs199967278, ClinGen allele CA4956299.

ClinVar aggregate classification (germline): Likely benign (1 of 4 stars; one submission).

Allele frequency attached by ClinVar (database versions not stated): 1000 Genomes Project 30x 0.00031; 1000 Genomes Project 0.00040; TOPMed 0.00124; ExAC 0.00370.

Submission:

CeGaT Center for Human Genetics Tuebingen
Classification: Likely benign. Last evaluated: 2023-11-01. Review status: criteria provided, single submitter. Criteria: CeGaT Center For Human Genetics Tuebingen Variant Classification Criteria Version 2. Collection method: clinical testing. Allele origin: germline. Affected: yes. Observed: 1 variant allele.
Comment: ZNG1A: BP4, BS2